The following is an entry in ClinVar:

NM_000550.3(TYRP1):c.163C>T (p.Arg55Cys)

Gene: TYRP1 (tyrosinase related protein 1; plus strand). Cytogenetic location: 9p23.
Variant type: single nucleotide variant.
Coding change: c.163C>T on transcript NM_000550.3 (MANE Select); coding-DNA position 163, C replaced by T.
Protein change: p.Arg55Cys; replaces arginine 55 with cysteine.
Molecular consequence: missense variant.
Genome position (GRCh38, 1-based): chr9:12,694,159, C>T. VCF-style: chr9-12694159-C-T. GRCh37 (hg19) VCF-style: chr9-12694159-C-T.
Other names: c.163C>T (NM_000550.2); short protein forms R55C.
Identifiers: ClinVar variation 1365418 (VCV001365418.6), dbSNP rs751545422, ClinGen allele CA4985129.

ClinVar aggregate classification (germline): Uncertain significance. Review status: criteria provided, multiple submitters, no conflicts (2 of 4 stars). 2 submissions from 2 submitters: Uncertain significance (2). Last evaluated 2023-03-07.

Conditions:
Inborn genetic diseases. Identifiers: MedGen C0950123, MeSH D030342.

Allele frequency attached by ClinVar (database versions not stated): gnomAD exomes 0.00002; ExAC 0.00001.

Submissions (2):

Ambry Genetics
Classification: Uncertain significance for Inborn genetic diseases. Last evaluated: 2023-03-07. Review status: criteria provided, single submitter. Criteria: Ambry Variant Classification Scheme 2023. Collection method: clinical testing. Allele origin: germline.

Labcorp Genetics (formerly Invitae), Labcorp
Classification: Uncertain significance. Last evaluated: 2022-07-19. Review status: criteria provided, single submitter. Criteria: Invitae Variant Classification Sherloc (09022015). Collection method: clinical testing. Allele origin: germline.
Comment: This sequence change replaces arginine, which is basic and polar, with cysteine, which is neutral and slightly polar, at codon 55 of the TYRP1 protein (p.Arg55Cys). This variant is present in population databases (rs751545422, gnomAD 0.007%). This variant has not been reported in the literature in individuals affected with TYRP1-related conditions. ClinVar contains an entry for this variant (Variation ID: 1365418). Algorithms developed to predict the effect of missense changes on protein structure and function are either unavailable or do not agree on the potential impact of this missense change (SIFT: "Deleterious"; PolyPhen-2: "Possibly Damaging"; Align-GVGD: "Class C0"). In summary, the available evidence is currently insufficient to determine the role of this variant in disease. Therefore, it has been classified as a Variant of Uncertain Significance.